The following is an entry in ClinVar:

NM_006231.4(POLE):c.5351A>G (p.Glu1784Gly)

Gene: POLE (DNA polymerase epsilon, catalytic subunit; minus strand). Cytogenetic location: 12q24.33.
Variant type: single nucleotide variant.
Coding change: c.5351A>G on transcript NM_006231.4 (MANE Select); coding-DNA position 5351, A replaced by G.
Protein change: p.Glu1784Gly; replaces glutamic acid 1784 with glycine.
Molecular consequence: missense variant.
Genome position (GRCh38, 1-based): chr12:132,641,674, T>C on the plus strand (A>G on the coding strand, the complement: POLE is on the minus strand). VCF-style: chr12-132641674-T-C. GRCh37 (hg19) VCF-style: chr12-133218260-T-C.
Other names: short protein forms E1784G.
Identifiers: ClinVar variation 2778035 (VCV002778035.3), dbSNP rs139093285, ClinGen allele CA6892559.

ClinVar aggregate classification (germline): Uncertain significance (1 of 4 stars; one submission).

Allele frequency attached by ClinVar (database versions not stated): TOPMed below 0.00001; ExAC 0.00001; gnomAD 0.00001; ESP Exome Variant Server 0.00008.

Submission:

Labcorp Genetics (formerly Invitae), Labcorp
Classification: Uncertain significance. Last evaluated: 2023-08-29. Review status: criteria provided, single submitter. Criteria: Invitae Variant Classification Sherloc (09022015). Collection method: clinical testing. Allele origin: germline.
Comment: This sequence change replaces glutamic acid, which is acidic and polar, with glycine, which is neutral and non-polar, at codon 1784 of the POLE protein (p.Glu1784Gly). In summary, the available evidence is currently insufficient to determine the role of this variant in disease. Therefore, it has been classified as a Variant of Uncertain Significance. Advanced modeling of protein sequence and biophysical properties (such as structural, functional, and spatial information, amino acid conservation, physicochemical variation, residue mobility, and thermodynamic stability) performed at Invitae indicates that this missense variant is not expected to disrupt POLE protein function. This variant has not been reported in the literature in individuals affected with POLE-related conditions. This variant is not present in population databases (gnomAD no frequency).